The following is an entry in ClinVar:

ClinVar aggregate classification (germline): Uncertain significance (1 of 4 stars; one submission).

Conditions:
Chédiak-Higashi syndrome (CHS). Also called: Chediak-Higashi Syndrome. Identifiers: Orphanet 167, MedGen C0007965, MONDO:0008963, OMIM 214500.

Allele frequency attached by ClinVar (database versions not stated): TOPMed below 0.00001; gnomAD 0.00001; gnomAD exomes 0.00001.
gnomAD v4.1: 10 of 1,612,674 alleles (0.00062%); highest among the groups gnomAD compares: Non-Finnish European, 0.00085%; no homozygotes.

Submission:

Labcorp Genetics (formerly Invitae), Labcorp
Classification: Uncertain significance for Chédiak-Higashi syndrome. Last evaluated: 2023-11-27. Review status: criteria provided, single submitter. Criteria: Invitae Variant Classification Sherloc (09022015). Collection method: clinical testing. Allele origin: germline.
Comment: This sequence change replaces lysine, which is basic and polar, with glutamic acid, which is acidic and polar, at codon 1185 of the LYST protein (p.Lys1185Glu). This variant is present in population databases (no rsID available, gnomAD 0.0009%). This variant has not been reported in the literature in individuals affected with LYST-related conditions. ClinVar contains an entry for this variant (Variation ID: 2162794). An algorithm developed to predict the effect of missense changes on protein structure and function (PolyPhen-2) suggests that this variant is likely to be disruptive. In summary, the available evidence is currently insufficient to determine the role of this variant in disease. Therefore, it has been classified as a Variant of Uncertain Significance.

NM_000081.4(LYST):c.3553A>G (p.Lys1185Glu)

Gene: LYST (lysosomal trafficking regulator; minus strand). Cytogenetic location: 1q42.3.
Variant type: single nucleotide variant.
Coding change: c.3553A>G on transcript NM_000081.4 (MANE Select); coding-DNA position 3553, A replaced by G.
Protein change: p.Lys1185Glu; replaces lysine 1185 with glutamic acid.
Molecular consequence: missense variant.
Genome position (GRCh38, 1-based): chr1:235,804,506, T>C on the plus strand (A>G on the coding strand, the complement: LYST is on the minus strand). VCF-style: chr1-235804506-T-C. GRCh37 (hg19) VCF-style: chr1-235967806-T-C.
Other names: c.3553A>G, p.Lys1185Glu (NM_001301365.1); short protein forms K1185E.
Identifiers: ClinVar variation 2162794 (VCV002162794.3), dbSNP rs1449787999, ClinGen allele CA344948206.